The following is an entry in ClinVar:

NM_005026.5(PIK3CD):c.3074A>G (p.Glu1025Gly)

Gene: PIK3CD (phosphatidylinositol-4,5-bisphosphate 3-kinase catalytic subunit delta; plus strand). Cytogenetic location: 1p36.22.
Variant type: single nucleotide variant.
Coding change: c.3074A>G on transcript NM_005026.5 (MANE Select); coding-DNA position 3074, A replaced by G.
Protein change: p.Glu1025Gly; replaces glutamic acid 1025 with glycine.
Molecular consequence: missense variant.
Genome position (GRCh38, 1-based): chr1:9,726,985, A>G. VCF-style: chr1-9726985-A-G. GRCh37 (hg19) VCF-style: chr1-9787043-A-G.
Other names: NM_005026.5(PIK3CD):c.3074A>G; p.Glu1025Gly; c.3074A>G (LRG_191t1); c.3071A>G, p.Glu1024Gly (NM_001350234.2); c.2987A>G, p.Glu996Gly (NM_001350235.1); short protein forms E1025G, E1024G, E996G.
Identifiers: ClinVar variation 422410 (VCV000422410.13), dbSNP rs1064795762, ClinGen allele CA16617216.
Genomic context (GRCh38, chr1:9,726,985, plus strand): 5'-GGAAAACAGAGGAGGAGGCACTGAAGCACTTCCGAGTGAAGTTTAACGAAGCCCTCCGTG[A>G]GAGCTGGAAAACCAAAGTGAACTGGCTGGCCCACAACGTGTCCAAAGACAACAGGCAGTA-3'
Protein context (NP_005017.3, residues 1015-1035): FRVKFNEALR[Glu1025Gly]SWKTKVNWLA

ClinVar aggregate classification (germline): Pathogenic. Review status: reviewed by expert panel (3 of 4 stars). 3 submissions from 3 submitters: Pathogenic (1). 2 of the submissions do not count toward it. Last evaluated 2025-12-19.

Conditions:
Immunodeficiency 14 (IMD14A). Also called: IMMUNODEFICIENCY 14A WITH LYMPHOPROLIFERATION, AUTOSOMAL DOMINANT; ACTIVATED PI3K-DELTA SYNDROME 1; p110-DELTA-ACTIVATING MUTATION CAUSING SENESCENT T CELLS, LYMPHADENOPATHY, AND IMMUNODEFICIENCY; Activated PI3K Delta Syndrome Type 1 (APDS1). Identifiers: Orphanet 397596, Orphanet 693661, MedGen C5907821, MONDO:0014222, OMIM 615513.

Submissions (3):

ClinGen Primary Immune Regulatory Disorders Variant Curation Expert Panel, ClinGen
Classification: Pathogenic for Immunodeficiency 14. Last evaluated: 2025-12-19. Review status: reviewed by expert panel. Criteria: ClinGen AbDef ACMG Specifications PIK3CD V1.0.0. Collection method: curation. Allele origin: germline. Inheritance: Autosomal dominant inheritance.
Comment: NM_005026.5(PIK3CD):c.3074A>G (p.Glu1025Gly) is a missense variant causing substitution of glutamic acid by glycine at amino acid 1025. This variant is absent from gnomAD v4.1.0 (PM2_Supporting). At least one patient with this variant exhibited a phenotype including recurrent pneumonia (4 pts), lymphadenopathy and hepatosplenomegaly (4 pts), persistent or chronic diarrhea (1 pt). thrombocytopenia (1 pt), and developmental delay (0.5 pts), with genotyping by whole exome sequencing that did not identify an alternative basis for disease in the PIK3R1 gene, which together are highly specific for immunodeficiency 14 (10.5 pts, PMID: 30499059, PP4). This variant has been reported in at least 2 other probands meeting phenotypic and testing criteria for this VCEP, in addition to the proband already used for PP4 (PMID: 27697496, PMID: 34115277, PS4_Moderate). This variant has been identified as a de novo occurrence with unconfirmed parental relationships in 1 proband (PMID:34115277) and with confirmed parental relationships in 2 probands (VCEP member-provided data). All 3 individuals were genotyped using whole exome sequencing and reached at least 10 phenotypic points according to VCEP criteria. Only the 2 individuals with confirmed parental relationships were included in the PS2 code in order to avoid the possibility of double-counting (4 total points, VCEP member-provided data, ClinVar Accession Number: SCV000571879.5, PS2_VeryStrong). The computational predictor REVEL gives a score of 0.294, which is below the ClinGen Antibody Deficiencies VCEP threshold of >0.644 and does not predict a damaging effect on PIK3CD function. The computational predictor CADD gives a PHRED score of 28.8, which is above the ClinGen Antibody Deficiencies VCEP threshold of >25.3 and predicts a deleterious effect on PIK3CD function. Because the two predictors do not agree on a damaging effect, PP3 is not met. In summary, this variant meets the criteria to be classified as pathogenic for autosomal dominant immunodeficiency 14 based on the ACMG/AMP criteria applied, as specified by the ClinGen Antibody Deficiencies VCEP: PM2_Supporting, PP4, PS4_Moderate, and PS2_VeryStrong. (VCEP specifications version 1.0.0).

Labcorp Genetics (formerly Invitae), Labcorp
Classification: Pathogenic for Activated PI3K-delta syndrome. Last evaluated: 2022-06-09. Review status: criteria provided, single submitter. Criteria: Invitae Variant Classification Sherloc (09022015). Collection method: clinical testing. Allele origin: germline. Not counted in ClinVar's aggregate classification.
Comment: For these reasons, this variant has been classified as Pathogenic. Advanced modeling of protein sequence and biophysical properties (such as structural, functional, and spatial information, amino acid conservation, physicochemical variation, residue mobility, and thermodynamic stability) performed at Invitae indicates that this missense variant is expected to disrupt PIK3CD protein function. ClinVar contains an entry for this variant (Variation ID: 422410). This missense change has been observed in individual(s) with activated PI3K-delta syndrome (PMID: 27697496, 30499059, 34115277). In at least one individual the variant was observed to be de novo. This variant is not present in population databases (gnomAD no frequency). This sequence change replaces glutamic acid, which is acidic and polar, with glycine, which is neutral and non-polar, at codon 1025 of the PIK3CD protein (p.Glu1025Gly).

GeneDx
Classification: Pathogenic. Last evaluated: 2021-04-15. Review status: criteria provided, single submitter. Criteria: GeneDx Variant Classification Process June 2021. Collection method: clinical testing. Allele origin: germline. Affected: yes. Not counted in ClinVar's aggregate classification.
Comment: Not observed in large population cohorts (Lek et al., 2016); In silico analysis supports that this missense variant does not alter protein structure/function; Identified in individuals with clinical features of a PIK3CD-related disorder in published literature (Dulau Florea et al., 2017; Wang et al., 2018); This variant is associated with the following publications: (PMID: 32181277, 30499059, 27697496, 31060715, 29387064)

Literature cited by the submitters: PubMed 27697496 (cited by Labcorp Genetics (formerly Invitae), Labcorp); PubMed 30499059 (cited by Labcorp Genetics (formerly Invitae), Labcorp); PubMed 34115277 (cited by Labcorp Genetics (formerly Invitae), Labcorp).